The following is an entry in ClinVar:

ClinVar aggregate classification (germline): Uncertain significance (1 of 4 stars; one submission).

Submission:

Labcorp Genetics (formerly Invitae), Labcorp
Classification: Uncertain significance. Last evaluated: 2026-01-26. Review status: criteria provided, single submitter. Criteria: Invitae Variant Classification Sherloc (09022015). Collection method: clinical testing. Allele origin: germline.
Comment: This sequence change replaces arginine, which is basic and polar, with methionine, which is neutral and non-polar, at codon 671 of the ZNF408 protein (p.Arg671Met). This variant is not present in population databases (gnomAD no frequency). This variant has not been reported in the literature in individuals affected with ZNF408-related conditions. An algorithm developed to predict the effect of missense changes on protein structure and function (PolyPhen-2) suggests that this variant is likely to be tolerated. In summary, the available evidence is currently insufficient to determine the role of this variant in disease. Therefore, it has been classified as a Variant of Uncertain Significance.

NM_024741.3(ZNF408):c.2012G>T (p.Arg671Met)

Gene: ZNF408 (zinc finger protein 408; plus strand). Cytogenetic location: 11p11.2.
Variant type: single nucleotide variant.
Coding change: c.2012G>T on transcript NM_024741.3 (MANE Select); coding-DNA position 2012, G replaced by T.
Protein change: p.Arg671Met; replaces arginine 671 with methionine.
Molecular consequence: missense variant.
Genome position (GRCh38, 1-based): chr11:46,705,712, G>T. VCF-style: chr11-46705712-G-T. GRCh37 (hg19) VCF-style: chr11-46727262-G-T.
Other names: c.1988G>T, p.Arg663Met (NM_001184751.2); short protein forms R671M, R663M.
Identifiers: ClinVar variation 4733351 (VCV004733351.1).